The following is an entry in ClinVar:

ClinVar aggregate classification (germline): Pathogenic (1 of 4 stars; one submission).

Submission:

Labcorp Genetics (formerly Invitae), Labcorp
Classification: Pathogenic. Last evaluated: 2023-06-20. Review status: criteria provided, single submitter. Criteria: Invitae Variant Classification Sherloc (09022015). Collection method: clinical testing. Allele origin: germline.
Comment: This variant is not present in population databases (gnomAD no frequency). This sequence change creates a premature translational stop signal (p.Ser2201Valfs*4) in the NSD1 gene. While this is not anticipated to result in nonsense mediated decay, it is expected to disrupt the last 496 amino acid(s) of the NSD1 protein. This variant has not been reported in the literature in individuals affected with NSD1-related conditions. For these reasons, this variant has been classified as Pathogenic. This variant disrupts a region of the NSD1 protein in which other variant(s) (p.Glu2564*) have been determined to be pathogenic (Invitae). This suggests that this is a clinically significant region of the protein, and that variants that disrupt it are likely to be disease-causing.

NM_022455.5(NSD1):c.6599dup (p.Ser2201fs)

Gene: NSD1 (nuclear receptor binding SET domain protein 1; plus strand). Cytogenetic location: 5q35.3.
Variant type: Duplication.
Coding change: c.6599dup on transcript NM_022455.5 (MANE Select); coding-DNA position 6599, one base duplicated (T; older notation c.6599dupT).
Protein change: p.Ser2201fs; shifts the reading frame from serine 2201.
Molecular consequence: frameshift variant.
Genome position (GRCh38, 1-based): chr5:177,293,967, T duplicated. VCF-style (leftmost placement, unchanged base first): chr5-177293966-C-CT. GRCh37 (hg19) VCF-style: chr5-176720967-C-CT.
Other names: c.5726dup, p.Ser1910fs (NM_172349.5, NM_001365684.2, NM_001409308.1); c.6599dup, p.Ser2201fs (NM_001409301.1, NM_001409302.1, NM_001409303.1); c.6179dup, p.Ser2061fs (NM_001409304.1); c.5846dup, p.Ser1950fs (NM_001409305.1); c.5837dup, p.Ser1947fs (NM_001409306.1, NM_001409307.1); c.5477dup, p.Ser1827fs (NM_001409309.1); short protein forms S1827fs, S1947fs, S2061fs, S1950fs, S2201fs, S1910fs.
Identifiers: ClinVar variation 3669612 (VCV003669612.2).